The following is an entry in ClinVar:

ClinVar aggregate classification (germline): Uncertain significance (3 of 4 stars; one submission).

Conditions:
Monogenic diabetes. Identifiers: Orphanet 183625, MedGen C3888631, MONDO:0015967.

Submission:

ClinGen Monogenic Diabetes Variant Curation Expert Panel
Classification: Uncertain significance for Monogenic diabetes. Last evaluated: 2025-07-24. Review status: reviewed by expert panel. Criteria: ClinGen Diabetes ACMG Specifications HNF1A V3.0.0. Collection method: curation. Allele origin: germline. Inheritance: Autosomal dominant inheritance.
Comment: The c.711_713del variant in the HNF1 homeobox A gene, HNF1A, is a 3 base pair deletion resulting in the replacement of asparagine with lysine at codon 237 and and in frame deletion of arginine at codon 238 (p.Asn237_Arg238delinsLys) within exon 3 of NM_000545.8. This variant is located within a conserved region of the DNA binding domain (codons 107-174 and 201-280) of HNF1A, which is defined as critical for the protein’s function by the ClinGen MDEP (PM1_Supporting). This variant is also absent from gnomAD v2.1.1 and v4.1 (PM2_Supporting). The c.711_713del variant is predicted to change the length of the protein due to an in-frame deletion of a single amino acid in a nonrepeat region (PM4_Supporting). In summary, c.711_713del variant meets the criteria to be classified as a variant of uncertain significance for monogenic diabetes. ACMG/AMP criteria applied, as specified by the ClinGen MDEP (specification version 3.0.0, approved 6/30/2025): PM1_Supporting, PM2_Supporting, PM4_Supporting.

NM_000545.8(HNF1A):c.711_713del (p.Asn237_Arg238delinsLys)

Gene: HNF1A (HNF1 homeobox A; plus strand). Cytogenetic location: 12q24.31.
Variant type: Deletion.
Coding change: c.711_713del on transcript NM_000545.8 (MANE Select); coding-DNA positions 711 to 713, 3 bases deleted (TAG; older notation c.711_713delTAG).
Protein change: p.Asn237_Arg238delinsLys.
Molecular consequence: inframe indel.
Genome position (GRCh38, 1-based): chr12:120,993,704-120,993,706, TAG deleted. VCF-style (leftmost placement, unchanged base first): chr12-120993703-ATAG-A. GRCh37 (hg19) VCF-style: chr12-121431506-ATAG-A.
Other names: NM_001306179.1:c.711_713del; c.711_713del, p.Asn237_Arg238delinsLys (NM_001306179.2).
Identifiers: ClinVar variation 1676711 (VCV001676711.4), dbSNP rs2135840027, ClinGen allele CA915940299.